The following is an entry in ClinVar:

NM_025114.4(CEP290):c.362A>G (p.Glu121Gly)

Gene: CEP290 (centrosomal protein 290; minus strand). Cytogenetic location: 12q21.32.
Variant type: single nucleotide variant.
Coding change: c.362A>G on transcript NM_025114.4 (MANE Select); coding-DNA position 362, A replaced by G.
Protein change: p.Glu121Gly; replaces glutamic acid 121 with glycine.
Molecular consequence: missense variant.
Genome position (GRCh38, 1-based): chr12:88,136,722, T>C on the plus strand (A>G on the coding strand, the complement: CEP290 is on the minus strand). VCF-style: chr12-88136722-T-C. GRCh37 (hg19) VCF-style: chr12-88530499-T-C.
Other names: short protein forms E121G.
Identifiers: ClinVar variation 1442950 (VCV001442950.5), dbSNP rs2040372439, ClinGen allele CA385987518.
Genomic context (GRCh38, chr12:88,136,722, plus strand): 5'-TCTTTCTCCAACTCCTTTTCCATGTCCTCCAATTCTCTATCTTTTTGTTCTAATTGTTTT[T>C]CAAGTTGGCAAATTTCATTACGTAAAAACCGAGTATCTCGTCCACCTGCAGACTGCTGAG-3'
Protein context (NP_079390.3, residues 111-131): RFLRNEICQL[Glu121Gly]KQLEQKDREL

ClinVar aggregate classification (germline): Uncertain significance. Review status: criteria provided, multiple submitters, no conflicts (2 of 4 stars). 2 submissions from 2 submitters: Uncertain significance (2). Last evaluated 2024-11-11.

Conditions:
Meckel-Gruber syndrome. Also called: DYSENCEPHALIA SPLANCHNOCYSTICA; GRUBER SYNDROME; Dysencephalia splachnocystica. Identifiers: Orphanet 564, MedGen C0265215, MONDO:0018921.
Nephronophthisis. Also called: Juvenile Nephronophthisis. Identifiers: Orphanet 655, MedGen C0687120, MONDO:0019005, HP:0000090.
Joubert syndrome. Also called: Familial aplasia of the vermis; JOUBERT-BOLTSHAUSER SYNDROME. Identifiers: Orphanet 475, MedGen C5979921, MONDO:0018772.

Allele frequency attached by ClinVar (database versions not stated): gnomAD exomes below 0.00001.
gnomAD v4.1: 1 of 1,613,782 alleles (0.000062%); highest among the groups gnomAD compares: Non-Finnish European, 0.000085%; no homozygotes.

Submissions (2):

Labcorp Genetics (formerly Invitae), Labcorp
Classification: Uncertain significance for Joubert syndrome; Meckel-Gruber syndrome; Nephronophthisis. Last evaluated: 2024-11-11. Review status: criteria provided, single submitter. Criteria: Invitae Variant Classification Sherloc (09022015). Collection method: clinical testing. Allele origin: germline.
Comment: This sequence change replaces glutamic acid, which is acidic and polar, with glycine, which is neutral and non-polar, at codon 121 of the CEP290 protein (p.Glu121Gly). This variant is not present in population databases (gnomAD no frequency). This variant has not been reported in the literature in individuals affected with CEP290-related conditions. ClinVar contains an entry for this variant (Variation ID: 1442950). Invitae Evidence Modeling of protein sequence and biophysical properties (such as structural, functional, and spatial information, amino acid conservation, physicochemical variation, residue mobility, and thermodynamic stability) has been performed for this missense variant. However, the output from this modeling did not meet the statistical confidence thresholds required to predict the impact of this variant on CEP290 protein function. In summary, the available evidence is currently insufficient to determine the role of this variant in disease. Therefore, it has been classified as a Variant of Uncertain Significance.

Blueprint Genetics
Classification: Uncertain significance. Last evaluated: 2023-02-06. Review status: criteria provided, single submitter. Criteria: ACMG Guidelines, 2015. Collection method: clinical testing. Allele origin: germline.